The following is an entry in ClinVar:

ClinVar aggregate classification (germline): Uncertain significance. Review status: criteria provided, multiple submitters, no conflicts (2 of 4 stars). 3 submissions from 3 submitters: Uncertain significance (3). Last evaluated 2026-02-03.

Conditions:
LRP2-related disorder. Also called: LRP2-related condition.
Donnai-Barrow syndrome. Also called: DBS/FOAR SYNDROME; FACIOOCULOACOUSTICORENAL SYNDROME. Identifiers: Orphanet 2143, MedGen C1857277, MONDO:0009104, OMIM 222448.

Allele frequency attached by ClinVar (database versions not stated): gnomAD exomes 0.00001 and 0.00005; TOPMed 0.00002; ExAC 0.00004; gnomAD 0.00001.
gnomAD v4.1: 21 of 1,613,850 alleles (0.0013%); highest among the groups gnomAD compares: Admixed American, 0.02%; no homozygotes.

Submissions (3):

PreventionGenetics, part of Exact Sciences
Classification: Uncertain significance for LRP2-related condition. Last evaluated: 2026-02-03. Review status: criteria provided, single submitter. Criteria: ACMG Guidelines, 2015. Collection method: clinical testing. Allele origin: germline.
Comment: The LRP2 c.11287G>A variant is predicted to result in the amino acid substitution p.Glu3763Lys. To our knowledge, this variant has not been reported in the literature. This variant is reported in 0.035% of alleles in individuals of Latino descent in gnomAD. At this time, the clinical significance of this variant is uncertain due to the absence of conclusive functional and genetic evidence.

Fulgent Genetics
Classification: Uncertain significance for Donnai-Barrow syndrome. Last evaluated: 2024-02-26. Review status: criteria provided, single submitter. Criteria: ACMG Guidelines, 2015. Collection method: clinical testing. Allele origin: germline.

Labcorp Genetics (formerly Invitae), Labcorp
Classification: Uncertain significance. Last evaluated: 2022-07-25. Review status: criteria provided, single submitter. Criteria: Invitae Variant Classification Sherloc (09022015). Collection method: clinical testing. Allele origin: germline.
Comment: This sequence change replaces glutamic acid, which is acidic and polar, with lysine, which is basic and polar, at codon 3763 of the LRP2 protein (p.Glu3763Lys). This variant is present in population databases (rs775918663, gnomAD 0.03%). This variant has not been reported in the literature in individuals affected with LRP2-related conditions. ClinVar contains an entry for this variant (Variation ID: 1485562). Advanced modeling of protein sequence and biophysical properties (such as structural, functional, and spatial information, amino acid conservation, physicochemical variation, residue mobility, and thermodynamic stability) performed at Invitae indicates that this missense variant is expected to disrupt LRP2 protein function. In summary, the available evidence is currently insufficient to determine the role of this variant in disease. Therefore, it has been classified as a Variant of Uncertain Significance.

NM_004525.3(LRP2):c.11287G>A (p.Glu3763Lys)

Gene: LRP2 (LDL receptor related protein 2; minus strand). Cytogenetic location: 2q31.1.
Variant type: single nucleotide variant.
Coding change: c.11287G>A on transcript NM_004525.3 (MANE Select); coding-DNA position 11287, G replaced by A.
Protein change: p.Glu3763Lys; replaces glutamic acid 3763 with lysine.
Molecular consequence: missense variant.
Genome position (GRCh38, 1-based): chr2:169,170,644, C>T on the plus strand (G>A on the coding strand, the complement: LRP2 is on the minus strand). VCF-style: chr2-169170644-C-T. GRCh37 (hg19) VCF-style: chr2-170027154-C-T.
Other names: c.11287G>A (NM_004525.2); short protein forms E3763K.
Identifiers: ClinVar variation 1485562 (VCV001485562.6), dbSNP rs775918663, ClinGen allele CA1953118.